The following is an entry in ClinVar:

NM_000400.4(ERCC2):c.1940G>C (p.Arg647Pro)

Gene: ERCC2 (ERCC excision repair 2, TFIIH core complex helicase subunit; minus strand). Cytogenetic location: 19q13.32.
Variant type: single nucleotide variant.
Coding change: c.1940G>C on transcript NM_000400.4 (MANE Select); coding-DNA position 1940, G replaced by C.
Protein change: p.Arg647Pro; replaces arginine 647 with proline.
Molecular consequence: missense variant.
Genome position (GRCh38, 1-based): chr19:45,352,612, C>G on the plus strand (G>C on the coding strand, the complement: ERCC2 is on the minus strand). VCF-style: chr19-45352612-C-G. GRCh37 (hg19) VCF-style: chr19-45855870-C-G.
Other names: short protein forms R647P.
Identifiers: ClinVar variation 2452346 (VCV002452346.2), dbSNP rs149818919, ClinGen allele CA406363405.
Genomic context (GRCh38, chr19:45,352,612, plus strand): 5'-GCCCGACCCACACACTGGGCCGCGTGGCGCATGGCATCGAAGGTAAGAAAGTCATTCTCA[C>G]GAATCTGGAACTGGTCCCGCAGGTATTCCAGCCGCGCCTGCAGATACGGAGGATGAGAAG-3'
Protein context (NP_000391.1, residues 637-657): LEYLRDQFQI[Arg647Pro]ENDFLTFDAM

ClinVar aggregate classification (germline): Uncertain significance (1 of 4 stars; one submission).

Conditions:
Inborn genetic diseases. Identifiers: MedGen C0950123, MeSH D030342.

gnomAD v4.1: 1 of 1,613,994 alleles (0.000062%); highest among the groups gnomAD compares: Non-Finnish European, 0.000085%; no homozygotes.

Submission:

Ambry Genetics
Classification: Uncertain significance for Inborn genetic diseases. Last evaluated: 2022-12-04. Review status: criteria provided, single submitter. Criteria: Ambry Variant Classification Scheme 2023. Collection method: clinical testing. Allele origin: germline.
Comment: The p.R647P variant (also known as c.1940G>C), located in coding exon 21 of the ERCC2 gene, results from a G to C substitution at nucleotide position 1940. The arginine at codon 647 is replaced by proline, an amino acid with dissimilar properties. This amino acid position is conserved. In addition, this alteration is predicted to be deleterious by in silico analysis. Since supporting evidence is limited at this time, the clinical significance of this alteration remains unclear.